The following is an entry in ClinVar:

NM_001282531.3(ADNP):c.831_835del (p.Asp277fs)

Gene: ADNP (activity dependent neuroprotector homeobox; minus strand). Cytogenetic location: 20q13.13.
Variant type: Microsatellite.
Coding change: c.831_835del on transcript NM_001282531.3 (MANE Select); coding-DNA positions 831 to 835, 5 bases deleted (CAAGA; older notation c.831_835delCAAGA).
Protein change: p.Asp277fs; shifts the reading frame from aspartic acid 277.
Molecular consequence: frameshift variant.
Genome position (GRCh38, 1-based): chr20:50,893,879-50,893,883, TCTTG deleted on the plus strand (CAAGA on the coding strand, the reverse complement: ADNP is on the minus strand); deleting any 5 consecutive bases within chr20:50,893,879-50,893,888 gives the same sequence; the c. name uses the placement nearest the transcript's 3' end. VCF-style (leftmost placement, unchanged base first): chr20-50893878-TTCTTG-T. GRCh37 (hg19) VCF-style: chr20-49510415-TTCTTG-T.
Other names: c.1047_1051del, p.Asp349fs (NM_001439000.1); c.147_151del, p.Asp49fs (NM_001439001.1); c.831_835del, p.Asp277fs (NM_001282532.2, NM_001347511.2, NM_015339.5 and 1 more transcripts); short protein forms D277fs, D349fs, D49fs.
Identifiers: ClinVar variation 4854438 (VCV004854438.1).

ClinVar aggregate classification (germline): Likely pathogenic (1 of 4 stars; one submission).

Conditions:
ADNP-related multiple congenital anomalies - intellectual disability - autism spectrum disorder. Also called: Helsmoortel-Van der Aa Syndrome; ADNP-Related Helsmoortel-Van der Aa Syndrome. Identifiers: Orphanet 404448, MedGen C4014538, MONDO:0014379, OMIM 615873. Disease mechanism: loss of function.

Submission:

3billion
Classification: Likely pathogenic for ADNP-related multiple congenital anomalies - intellectual disability - autism spectrum disorder. Last evaluated: 2025-11-18. Review status: criteria provided, single submitter. Criteria: ACMG Guidelines, 2015. Collection method: clinical testing. Allele origin: germline. Affected: yes.
Comment: The variant is not observed in the gnomAD v4.1.0 dataset. Predicted Consequence/Location: Frameshift: predicted to result in a loss or disruption of normal protein function through protein truncation. The predicted truncated protein may be shortened by more than 10%. Therefore, this variant is classified as Likely pathogenic according to the recommendation of ACMG/AMP guideline.